The following is an entry in ClinVar:

ClinVar aggregate classification (germline): Benign/Likely benign. Review status: criteria provided, multiple submitters, no conflicts (2 of 4 stars). 3 submissions from 3 submitters: Benign (1); Likely benign (2). Last evaluated 2025-05-18.

Conditions:
Pseudohypoaldosteronism type 2B (PHA2B). Also called: Pseudohypoaldosteronism Type IIB. Identifiers: Orphanet 757, Orphanet 88939, MedGen C1840390, MONDO:0013777, OMIM 614491.

Allele frequency attached by ClinVar (database versions not stated): gnomAD 0.00014 and 0.00017; TOPMed 0.00015; ExAC 0.00016; gnomAD exomes 0.00024; 1000 Genomes Project 30x 0.00078; 1000 Genomes Project 0.00100.
gnomAD v4.1: 86 of 1,603,898 alleles (0.0054%); highest among the groups gnomAD compares: East Asian, 0.15%; no homozygotes.

Submissions (3):

Labcorp Genetics (formerly Invitae), Labcorp
Classification: Likely benign. Last evaluated: 2025-05-18. Review status: criteria provided, single submitter. Criteria: Invitae Variant Classification Sherloc (09022015). Collection method: clinical testing. Allele origin: germline.

Fulgent Genetics
Classification: Likely benign for Pseudohypoaldosteronism type 2B. Last evaluated: 2021-11-01. Review status: criteria provided, single submitter. Criteria: ACMG Guidelines, 2015. Collection method: clinical testing. Allele origin: unknown.

Illumina Laboratory Services, Illumina
Classification: Benign for Pseudohypoaldosteronism type 2B. Last evaluated: 2018-01-13. Review status: criteria provided, single submitter. Criteria: ICSL Variant Classification Criteria 13 December 2019. Collection method: clinical testing. Allele origin: germline.
Comment: This variant was observed in the ICSL laboratory as part of a predisposition screen in an ostensibly healthy population. It had not been previously curated by ICSL or reported in the Human Gene Mutation Database (HGMD: prior to June 1st, 2018), and was therefore a candidate for classification through an automated scoring system. Utilizing variant allele frequency, disease prevalence and penetrance estimates, and inheritance mode, an automated score was calculated to assess if this variant is too frequent to cause the disease. Based on the score and internal cut-off values, a variant classified as benign is not then subjected to further curation. The score for this variant resulted in a classification of benign for this disease.

NM_032387.5(WNK4):c.92C>A (p.Ala31Glu)

Gene: WNK4 (WNK lysine deficient protein kinase 4; plus strand). Cytogenetic location: 17q21.2.
Variant type: single nucleotide variant.
Coding change: c.92C>A on transcript NM_032387.5 (MANE Select); coding-DNA position 92, C replaced by A.
Protein change: p.Ala31Glu; replaces alanine 31 with glutamic acid.
Molecular consequence: missense variant. On other transcripts: 5 prime UTR variant (1).
Genome position (GRCh38, 1-based): chr17:42,780,790, C>A. VCF-style: chr17-42780790-C-A. GRCh37 (hg19) VCF-style: chr17-40932808-C-A.
Other names: c.-828C>A (NM_001321299.2); short protein forms A31E.
Identifiers: ClinVar variation 889956 (VCV000889956.7), dbSNP rs370527167, ClinGen allele CA8583609.
Genomic context (GRCh38, chr17:42,780,790, plus strand): 5'-TCCTCATGTCCCAGACTGAGGCCGACCTGGCCCTGCGGCCCCCGCCTCCTCTTGGCACCG[C>A]GGGGCAGCCCCGCCTCGGGCCCCCTCCTCGCCGAGCGCGCCGCTTCTCCGGGAAGGCTGA-3'
Protein context (NP_115763.2, residues 21-41): ALRPPPPLGT[Ala31Glu]GQPRLGPPPR